The following is an entry in ClinVar:

ClinVar aggregate classification (germline): Likely pathogenic (1 of 4 stars; one submission).

Conditions:
Spermatogenic failure 18. Identifiers: MedGen C4539783, MONDO:0054615, OMIM 617576.
Ciliary dyskinesia, primary, 37 (CILD37). Also called: CILIARY DYSKINESIA, PRIMARY, 37, WITH OR WITHOUT SITUS INVERSUS. Identifiers: MedGen C4539798, MONDO:0033204, OMIM 617577.

Allele frequency attached by ClinVar (database versions not stated): gnomAD 0.00001; TOPMed 0.00001; ExAC 0.00001.
gnomAD v4.1: 33 of 1,608,102 alleles (0.0021%); highest among the groups gnomAD compares: Non-Finnish European, 0.0025%; no homozygotes.

Submissions (2):

Labcorp Genetics (formerly Invitae), Labcorp
Classification: Likely pathogenic for Ciliary dyskinesia, primary, 37; Spermatogenic failure 18. Last evaluated: 2025-11-16. Review status: criteria provided, single submitter. Criteria: Invitae Variant Classification Sherloc (09022015). Collection method: clinical testing. Allele origin: germline.
Comment: This sequence change affects an acceptor splice site in intron 71 of the DNAH1 gene. It is expected to disrupt RNA splicing. Variants that disrupt the donor or acceptor splice site typically lead to a loss of protein function (PMID: 16199547), and loss-of-function variants in DNAH1 are known to be pathogenic (PMID: 27573432, 27798045). This variant is present in population databases (rs772998828, gnomAD 0.005%). This variant has not been reported in the literature in individuals affected with DNAH1-related conditions. ClinVar contains an entry for this variant (Variation ID: 2923480). Algorithms developed to predict the effect of sequence changes on RNA splicing suggest that this variant may disrupt the consensus splice site. In summary, the currently available evidence indicates that the variant is pathogenic, but additional data are needed to prove that conclusively. Therefore, this variant has been classified as Likely Pathogenic.

Dr. Peter K. Rogan Lab, Western University
No classification provided (evidence only). Condition: Ovarian serous cystadenocarcinoma. Review status: no classification provided. Collection method: in vitro. Allele origin: not applicable. Functional consequence: retained intron. Not counted in ClinVar's aggregate classification.

Literature cited by the submitters: PubMed 16199547 (cited by Labcorp Genetics (formerly Invitae), Labcorp); PubMed 27573432 (cited by Labcorp Genetics (formerly Invitae), Labcorp); PubMed 27798045 (cited by Labcorp Genetics (formerly Invitae), Labcorp).

NM_015512.5(DNAH1):c.11431-2A>G

Gene: DNAH1 (dynein axonemal heavy chain 1; plus strand). Cytogenetic location: 3p21.1.
Variant type: single nucleotide variant.
Coding change: c.11431-2A>G on transcript NM_015512.5 (MANE Select); the canonical splice acceptor site of the intron before coding-DNA position 11431, A replaced by G.
Molecular consequence: splice acceptor variant.
Genome position (GRCh38, 1-based): chr3:52,396,616, A>G. VCF-style: chr3-52396616-A-G. GRCh37 (hg19) VCF-style: chr3-52430632-A-G.
Identifiers: ClinVar variation 2923480 (VCV002923480.4), dbSNP rs772998828, ClinGen allele CA2436177.